The following is an entry in ClinVar:

NM_032447.5(FBN3):c.7951G>A (p.Gly2651Ser)

Gene: FBN3 (fibrillin 3; minus strand). Cytogenetic location: 19p13.2.
Variant type: single nucleotide variant.
Coding change: c.7951G>A on transcript NM_032447.5 (MANE Select); coding-DNA position 7951, G replaced by A.
Protein change: p.Gly2651Ser; replaces glycine 2651 with serine.
Molecular consequence: missense variant.
Genome position (GRCh38, 1-based): chr19:8,072,185, C>T on the plus strand (G>A on the coding strand, the complement: FBN3 is on the minus strand). VCF-style: chr19-8072185-C-T. GRCh37 (hg19) VCF-style: chr19-8137069-C-T.
Other names: c.7951G>A (NM_001321431.1, NM_032447.3); c.7951G>A, p.Gly2651Ser (NM_001321431.2); short protein forms G2651S.
Identifiers: ClinVar variation 714878 (VCV000714878.12), dbSNP rs141490945, ClinGen allele CA9150671.
Genomic context (GRCh38, chr19:8,072,185, plus strand): 5'-CAGACGAGAGCAGCTCCTCTTTGTCCGGGGTGTCCTGGGGTCCGGGGCTGAAGCCCAGGC[C>T]GGAGACACAGTGCCTGGGCCAGGATGGGCAGGGTGGAGGGGTTTCAGAGGCGGGCTGATG-3'
Protein context (NP_115823.3, residues 2641-2661): FRAGQGHCVS[Gly2651Ser]LGFSPGPQDT

ClinVar aggregate classification (germline): Conflicting classifications of pathogenicity. Review status: criteria provided, conflicting classifications (1 of 4 stars). 4 submissions from 4 submitters: Uncertain significance (1); Benign (2). 1 of the submissions does not count toward it. Last evaluated 2026-01-25.

Conditions:
FBN3-related disorder. Also called: FBN3-related condition.

Allele frequency attached by ClinVar (database versions not stated): gnomAD exomes 0.00024 and 0.00083; ExAC 0.00105; 1000 Genomes Project 30x 0.00250; 1000 Genomes Project 0.00260; gnomAD 0.00272 and 0.00294; TOPMed 0.00292; ESP Exome Variant Server 0.00415.
gnomAD v4.1: 758 of 1,551,624 alleles (0.049%); highest among the groups gnomAD compares: African/African-American, 0.91%; 4 homozygotes.

Submissions (4):

Labcorp Genetics (formerly Invitae), Labcorp
Classification: Benign. Last evaluated: 2026-01-25. Review status: criteria provided, single submitter. Criteria: Invitae Variant Classification Sherloc (09022015). Collection method: clinical testing. Allele origin: germline.

Ambry Genetics
Classification: Uncertain significance. Last evaluated: 2025-08-20. Review status: criteria provided, single submitter. Criteria: Ambry Variant Classification Scheme 2023. Collection method: clinical testing. Allele origin: germline.

Breakthrough Genomics
Classification: Benign. Review status: criteria provided, single submitter. Criteria: ACMG Guidelines, 2015. Collection method: not provided. Allele origin: germline. Inheritance: Unknown mechanism. Affected: yes.

PreventionGenetics, part of Exact Sciences
Classification: Benign for FBN3-related condition. Last evaluated: 2019-05-02. Review status: no assertion criteria provided. Collection method: clinical testing. Allele origin: germline. Not counted in ClinVar's aggregate classification.
Comment: This variant is classified as benign based on ACMG/AMP sequence variant interpretation guidelines (Richards et al. 2015 PMID: 25741868, with internal and published modifications).